The following is an entry in ClinVar:

NM_022455.5(NSD1):c.5506_5509del (p.Lys1836fs)

Genes: NSD1 (nuclear receptor binding SET domain protein 1; plus strand), LOC126807619 (MED14-independent group 3 enhancer GRCh37_chr5:176696443-176697642; plus strand). Cytogenetic location: 5q35.3.
Variant type: Deletion.
Coding change: c.5506_5509del on transcript NM_022455.5 (MANE Select); coding-DNA positions 5506 to 5509, 4 bases deleted (AAAG; older notation c.5506_5509delAAAG).
Protein change: p.Lys1836fs; shifts the reading frame from lysine 1836.
Molecular consequence: frameshift variant.
Genome position (GRCh38, 1-based): chr5:177,269,804-177,269,807, AAAG deleted. VCF-style (leftmost placement, unchanged base first): chr5-177269803-AAAAG-A. GRCh37 (hg19) VCF-style: chr5-176696804-AAAAG-A.
Other names: c.4633_4636delAAAG, p.Lys1545Leufs (NM_001365684.2, NM_001409308.1, NM_001409309.1 and 1 more transcripts); c.5506_5509delAAAG, p.Lys1836Leufs (NM_001409301.1, NM_001409302.1, NM_001409303.1 and 1 more transcripts); c.5086_5089delAAAG, p.Lys1696Leufs (NM_001409304.1); c.4753_4756delAAAG, p.Lys1585Leufs (NM_001409305.1); c.4744_4747delAAAG, p.Lys1582Leufs (NM_001409306.1, NM_001409307.1); short protein forms K1567fs, K1836fs.
Identifiers: ClinVar variation 1331530 (VCV001331530.4), dbSNP rs2149934723, ClinGen allele CA2573052486.

ClinVar aggregate classification (germline): Pathogenic (1 of 4 stars; one submission).

Submission:

Greenwood Genetic Center Diagnostic Laboratories, Greenwood Genetic Center
Classification: Pathogenic. Last evaluated: 2020-11-25. Review status: criteria provided, single submitter. Criteria: ACMG Guidelines, 2015. Collection method: clinical testing. Allele origin: germline. Affected: yes.
Comment: PVS1, PS2, PM2